The following is an entry in ClinVar:

NM_007294.4(BRCA1):c.5153-27A>G

Gene: BRCA1 (BRCA1 DNA repair associated; minus strand). Cytogenetic location: 17q21.31.
Variant type: single nucleotide variant.
Coding change: c.5153-27A>G on transcript NM_007294.4 (MANE Select); 27 bases into the intron before coding-DNA position 5153, A replaced by G.
Molecular consequence: intron variant.
Genome position (GRCh38, 1-based): chr17:43,063,400, T>C on the plus strand (A>G on the coding strand, the complement: BRCA1 is on the minus strand). VCF-style: chr17-43063400-T-C. GRCh37 (hg19) VCF-style: chr17-41215417-T-C.
Other names: c.1907-27A>G (NM_001407972.1); c.5147-27A>G (NM_001407630.1, NM_001407633.1, NM_001407642.1 and 14 more transcripts); c.5150-27A>G (NM_001407615.1, NM_001407625.1, NM_001407619.1 and 17 more transcripts); c.5213-27A>G (NM_001407591.1, NM_001407590.1); c.1718-27A>G (NM_001408441.1, NM_001408437.1, NM_001408442.1 and 10 more transcripts); c.1721-27A>G (NM_001408429.1, NM_001408426.1, NM_001408430.1 and 4 more transcripts); c.5024-27A>G (NM_001407683.1, NM_001407686.1, NM_001407685.1 and 6 more transcripts); c.5027-27A>G (NM_001407674.1, NM_001407939.1, NM_001407677.1 and 10 more transcripts); and 72 more.
Identifiers: ClinVar variation 867717 (VCV000867717.3), dbSNP rs2051878734, ClinGen allele CA916080105.

Conditions:
Breast-ovarian cancer, familial, susceptibility to, 1 (BROVCA1). Also called: BRCA1 Hereditary Breast and Ovarian Cancer; OVARIAN CANCER, SUSCEPTIBILITY TO. Identifiers: Orphanet 145, MedGen C2676676, MONDO:0011450, OMIM 604370. Disease mechanism: loss of function.

Submission:

Brotman Baty Institute, University of Washington
No classification provided (evidence only). Condition: Breast-ovarian cancer, familial 1. Review status: no classification provided. Collection method: in vitro. Allele origin: not applicable. Functional consequence: functionally_normal.
ClinVar note: "not provided" was previously submitted as the classification for the variant. However, the classification appeared to be based only on an observation of functional data so it was converted to no classification on 2025-07-30.